The following is an entry in ClinVar:

ClinVar aggregate classification (germline): Uncertain significance. Review status: criteria provided, multiple submitters, no conflicts (2 of 4 stars). 2 submissions from 2 submitters: Uncertain significance (2). Last evaluated 2024-06-19.

Conditions:
Pulmonary fibrosis and/or bone marrow failure, Telomere-related, 3. Also called: PULMONARY FIBROSIS AND/OR BONE MARROW FAILURE SYNDROME, TELOMERE-RELATED, 3. Identifiers: Orphanet 2032, MedGen C4225346, MONDO:0014613, OMIM 616373.
Dyskeratosis congenita, autosomal recessive 5 (DKCB5). Identifiers: MedGen C3554656, MONDO:0014076, OMIM 615190.

gnomAD v4.1: 5 of 1,612,402 alleles (0.00031%); highest among the groups gnomAD compares: Non-Finnish European, 0.00025%; no homozygotes.

Submissions (2):

Labcorp Genetics (formerly Invitae), Labcorp
Classification: Uncertain significance for Dyskeratosis congenita, autosomal recessive 5; Pulmonary fibrosis and/or bone marrow failure, Telomere-related, 3. Last evaluated: 2024-06-19. Review status: criteria provided, single submitter. Criteria: Invitae Variant Classification Sherloc (09022015). Collection method: clinical testing. Allele origin: germline.
Comment: This sequence change replaces threonine, which is neutral and polar, with lysine, which is basic and polar, at codon 1131 of the RTEL1 protein (p.Thr1131Lys). This variant is not present in population databases (gnomAD no frequency). This variant has not been reported in the literature in individuals affected with RTEL1-related conditions. An algorithm developed to predict the effect of missense changes on protein structure and function (PolyPhen-2) suggests that this variant¬¨‚Ä†is likely to be tolerated. In summary, the available evidence is currently insufficient to determine the role of this variant in disease. Therefore, it has been classified as a Variant of Uncertain Significance.

GeneDx
Classification: Uncertain significance. Last evaluated: 2024-06-14. Review status: criteria provided, single submitter. Criteria: GeneDx Variant Classification Process June 2021. Collection method: clinical testing. Allele origin: germline. Affected: yes.
Comment: Not observed at significant frequency in large population cohorts (gnomAD); In silico analysis indicates that this missense variant does not alter protein structure/function; Has not been previously published as pathogenic or benign to our knowledge

NM_001283009.2(RTEL1):c.3392C>A (p.Thr1131Lys)

Genes: RTEL1 (regulator of telomere elongation helicase 1; plus strand), RTEL1-TNFRSF6B (RTEL1-TNFRSF6B readthrough (NMD candidate); plus strand). Cytogenetic location: 20q13.33.
Variant type: single nucleotide variant.
Coding change: c.3392C>A on transcript NM_001283009.2 (MANE Select); coding-DNA position 3392, C replaced by A.
Protein change: p.Thr1131Lys; replaces threonine 1131 with lysine.
Molecular consequence: missense variant. On other transcripts: non-coding transcript variant (1).
Genome position (GRCh38, 1-based): chr20:63,695,114, C>A. VCF-style: chr20-63695114-C-A. GRCh37 (hg19) VCF-style: chr20-62326467-C-A.
Other names: c.2723C>A, p.Thr908Lys (NM_001283010.1); c.3392C>A, p.Thr1131Lys (NM_016434.4); c.3464C>A, p.Thr1155Lys (NM_032957.5); short protein forms T1131K, T1155K, T908K.
Identifiers: ClinVar variation 2930261 (VCV002930261.3), dbSNP rs372852392, ClinGen allele CA409685344.
Genomic context (GRCh38, chr20:63,695,114, plus strand): 5'-AGCTCCCCGCAGGGTTCAGCATGTTTGTGCGTCCACACCACAAGCAGCGCTTCTCACAGA[C>A]GTGCACAGACCTGACCGGCCGGCCCTACCCGGGCATGGAGCCACCGGGACCCCAGGAGGA-3'
Protein context (NP_001269938.1, residues 1121-1141): RPHHKQRFSQ[Thr1131Lys]CTDLTGRPYP